The following is an entry in ClinVar:

ClinVar aggregate classification (germline): Likely benign (0 of 4 stars; one submission).

Conditions:
NRP2-related disorder. Also called: NRP2-related condition.

gnomAD v4.1: 1 of 1,614,000 alleles (0.000062%); highest among the groups gnomAD compares: Middle Eastern, 0.017%; no homozygotes.

Submission:

PreventionGenetics, part of Exact Sciences
Classification: Likely benign for NRP2-related condition. Last evaluated: 2024-05-22. Review status: no assertion criteria provided. Collection method: clinical testing. Allele origin: germline.
Comment: This variant is classified as likely benign based on ACMG/AMP sequence variant interpretation guidelines (Richards et al. 2015 PMID: 25741868, with internal and published modifications).

NM_003872.3(NRP2):c.408T>C (p.Ser136=)

Gene: NRP2 (neuropilin 2; plus strand). Cytogenetic location: 2q33.3.
Variant type: single nucleotide variant.
Coding change: c.408T>C on transcript NM_003872.3 (MANE Select); coding-DNA position 408, T replaced by C.
Protein change: p.Ser136=; no amino-acid change (serine 136 retained).
Molecular consequence: synonymous variant.
Genome position (GRCh38, 1-based): chr2:205,716,349, T>C. VCF-style: chr2-205716349-T-C. GRCh37 (hg19) VCF-style: chr2-206581073-T-C.
Other names: c.408T>C, p.Ser136= (NM_018534.4, NM_201264.2, NM_201266.2 and 2 more transcripts).
Identifiers: ClinVar variation 3353398 (VCV003353398.1).